The following is an entry in ClinVar:

NM_054012.4(ASS1):c.1088G>A (p.Arg363Gln)

Gene: ASS1 (argininosuccinate synthase 1; plus strand). Cytogenetic location: 9q34.11.
Variant type: single nucleotide variant.
Coding change: c.1088G>A on transcript NM_054012.4 (MANE Select); coding-DNA position 1088, G replaced by A.
Protein change: p.Arg363Gln; replaces arginine 363 with glutamine.
Molecular consequence: missense variant.
Genome position (GRCh38, 1-based): chr9:130,494,984, G>A. VCF-style: chr9-130494984-G-A. GRCh37 (hg19) VCF-style: chr9-133370371-G-A.
Other names: p.R363Q:CGG>CAG; c.1088G>A, p.Arg363Gln (NM_000050.4); short protein forms R363Q.
Identifiers: ClinVar variation 203631 (VCV000203631.27), dbSNP rs771937610, ClinGen allele CA312352.

ClinVar aggregate classification (germline): Pathogenic/Likely pathogenic. Review status: criteria provided, multiple submitters, no conflicts (2 of 4 stars). 9 submissions from 9 submitters: Pathogenic (3); Likely pathogenic (6). Last evaluated 2026-03-02.

Conditions:
ASS1-related disorder. Also called: ASS1-related condition.
Citrullinemia. Identifiers: Orphanet 187, MedGen C0175683, MONDO:0015991.
Citrullinemia type I (CTNL1). Also called: argininosuccinate synthetase deficiency; ASS DEFICIENCY. Identifiers: Orphanet 247525, MedGen C4721769, MONDO:0008988, OMIM 215700.

Allele frequency attached by ClinVar (database versions not stated): gnomAD exomes below 0.00001; ExAC 0.00001; gnomAD 0.00001; TOPMed 0.00001.

Submissions (9):

PreventionGenetics, part of Exact Sciences
Classification: Pathogenic for ASS1-related condition. Last evaluated: 2026-03-02. Review status: criteria provided, single submitter. Criteria: ACMG Guidelines, 2015. Collection method: clinical testing. Allele origin: germline.
Comment: The ASS1 c.1088G>A variant is predicted to result in the amino acid substitution p.Arg363Gln. This variant has been reported along with a second pathogenic variant in multiple individuals with citrullinemia, and was confirmed to be in the compound heterozygous state in at least one of the reported individuals (Gao et al. 2003. PubMed ID: 12815590; Table S1 in Diez-Fernandez et al. 2017. PubMed ID: 28111830; Bijarnia-Mahay et al. 2018. PubMed ID: 30285816; PreventionGenetics internal data). When expressed along with a second known pathogenic variant (p.Gly390Arg) in a biallelic expression system, activity of the argininosuccinate synthetase enzyme was reduced to <20% of control (Zielonka et al. 2019. PubMed ID: 31469252). Alternate substitutions at this location (p.Arg363Gly, p.Arg363Leu, p.Arg363Trp) have been reported in affected patients, with p.Arg363Trp being a particularly common recurrent pathogenic variant (See Table S1 in Diez-Fernandez et al. 2017. PubMed ID: 28111830). The p.Arg363 amino acid is moderately conserved, and is located at the dimer interface where it is thought to play an important role in dimer/tetramer formation (Gao et al. 2003. PubMed ID: 12815590; Diez-Fernandez et al. 2017. PubMed ID: 28111830). This variant is reported in 0.00088% of alleles in individuals of European (Non-Finnish) descent in gnomAD. Taken together, this variant is interpreted as pathogenic.

Labcorp Genetics (formerly Invitae), Labcorp
Classification: Pathogenic for Citrullinemia. Last evaluated: 2026-01-16. Review status: criteria provided, single submitter. Criteria: Invitae Variant Classification Sherloc (09022015). Collection method: clinical testing. Allele origin: germline.
Comment: This sequence change replaces arginine, which is basic and polar, with glutamine, which is neutral and polar, at codon 363 of the ASS1 protein (p.Arg363Gln). The frequency data for this variant in the population databases is considered unreliable, as metrics indicate poor data quality at this position in the gnomAD database. This missense change has been observed in individual(s) with citrullinemia type I (PMID: 30285816, 31469252; internal data). In at least one individual the data is consistent with being in trans (on the opposite chromosome) from a pathogenic variant. ClinVar contains an entry for this variant (Variation ID: 203631). Invitae Evidence Modeling of protein sequence and biophysical properties (such as structural, functional, and spatial information, amino acid conservation, physicochemical variation, residue mobility, and thermodynamic stability) indicates that this missense variant is expected to disrupt ASS1 protein function with a positive predictive value of 80%. This variant disrupts the p.Arg363 amino acid residue in ASS1. Other variant(s) that disrupt this residue have been determined to be pathogenic (PMID: 2358466, 12815590, 14680976, 16124451, 25537548, 26117549, 28111830). This suggests that this residue is clinically significant, and that variants that disrupt this residue are likely to be disease-causing. For these reasons, this variant has been classified as Pathogenic.

GeneDx
Classification: Likely pathogenic. Last evaluated: 2025-11-24. Review status: criteria provided, single submitter. Criteria: GeneDx Variant Classification Process June 2021. Collection method: clinical testing. Allele origin: germline. Affected: yes.
Comment: Reported in other individuals reported to have citrullinemia who either did not have a second variant identified in the ASS1 gene or for whom detailed clinical information was not provided (PMID: 31469252, 20005624); A different missense change at this residue, p.(R363W), has been reported as pathogenic in patients with citrullinemia (PMID: 12815590, 21227727, 25537548, 2358466); Not observed at significant frequency in large population cohorts (gnomAD); In silico analysis supports that this missense variant has a deleterious effect on protein structure/function; This variant is associated with the following publications: (PMID: 30285816, 24508627, 19006241, 28111830, 31469252, 20005624, 12815590, 21227727, 25537548, 2358466, 40683404)

Natera, Inc.
Classification: Likely pathogenic for Citrullinemia type I. Last evaluated: 2025-09-09. Review status: criteria provided, single submitter. Criteria: Natera Variant Classification Schema (03/2026). Collection method: clinical testing. Allele origin: germline.
Comment: The c.1088G>A variant in ASS1 is a missense variant predicted to cause substitution of arginine to glutamine at amino acid 363. This variant is rare in the general population with a frequency below the threshold expected for the associated phenotype(s). This variant has been observed in one or more individuals affected with the associated recessive disease, as either homozygous or compound heterozygous with a second variant (PMID: 12815590, 30285816). A different variant at the same position has been determined to be Pathogenic or Likely Pathogenic. Computational prediction algorithms indicate this variant is likely to affect gene or protein function. Given the available evidence, this variant is classified as Likely Pathogenic.

Revvity Omics, Revvity
Classification: Likely pathogenic for Citrullinemia type I. Last evaluated: 2024-09-27. Review status: criteria provided, single submitter. Criteria: ACMG Guidelines, 2015. Collection method: clinical testing. Allele origin: germline.

Fulgent Genetics
Classification: Likely pathogenic for Citrullinemia type I. Last evaluated: 2021-11-16. Review status: criteria provided, single submitter. Criteria: ACMG Guidelines, 2015. Collection method: clinical testing. Allele origin: unknown.

Eurofins Ntd Llc (ga)
Classification: Pathogenic. Last evaluated: 2018-08-29. Review status: criteria provided, single submitter. Criteria: EGL ClinVar v180209 classification definitions. Collection method: clinical testing. Allele origin: germline. Observed: 6 variant alleles, 4 heterozygotes, 2 homozygotes.

Juno Genomics, Hangzhou Juno Genomics, Inc
Classification: Likely pathogenic for Citrullinemia type I. Review status: criteria provided, single submitter. Criteria: ACMG Guidelines, 2015. Collection method: clinical testing. Allele origin: germline.
Comment: Absent from controls (or at extremely low frequency if recessive) in Genome Aggregation Database.;Multiple lines of computational evidence support a deleterious effect on the gene or gene product.;For recessive disorders, detected in trans with a pathogenic variant.;Patient's phenotype or family history is highly specific for a disease with a single genetic etiology.;Novel missense change at an amino acid residue where a different missense change determined to be pathogenic has been seen before.

Neuberg Centre For Genomic Medicine, NCGM
Classification: Likely pathogenic for Citrullinemia type I. Review status: criteria provided, single submitter. Criteria: ACMG Guidelines, 2015. Collection method: clinical testing. Allele origin: germline. Inheritance: Autosomal recessive inheritance. Affected: yes.
Comment: The missense variant p.R363Q in ASS1 (NM_054012.4) has been previously reported in an individual affected with ASS1-related conditins (Gao et al, 2003). The p.R363Q variant has a gnomAD frequency of 0.0003999 % and is novel (not in any individuals) in 1000 Genomes. There is a small physicochemical difference between arginine and glutamine, which is not likely to impact secondary protein structure as these residues share similar properties. The p.R363Q missense variant is predicted to be damaging by both SIFT and PolyPhen2. The arginine residue at codon 363 of ASS1 is conserved in all mammalian species. The nucleotide c.1088 in ASS1 is predicted conserved by GERP++ and PhyloP across 100 vertebrates. For these reasons, this variant has been classified as Likely Pathogenic.

Literature cited by the submitters: PubMed 30285816 (cited by Labcorp Genetics (formerly Invitae), Labcorp and Natera, Inc.); PubMed 31469252 (cited by Labcorp Genetics (formerly Invitae), Labcorp); PubMed 2358466 (cited by Labcorp Genetics (formerly Invitae), Labcorp); PubMed 12815590 (cited by Labcorp Genetics (formerly Invitae), Labcorp and Natera, Inc.); PubMed 14680976 (cited by Labcorp Genetics (formerly Invitae), Labcorp); PubMed 16124451 (cited by Labcorp Genetics (formerly Invitae), Labcorp); PubMed 25537548 (cited by Labcorp Genetics (formerly Invitae), Labcorp); PubMed 26117549 (cited by Labcorp Genetics (formerly Invitae), Labcorp); PubMed 28111830 (cited by Labcorp Genetics (formerly Invitae), Labcorp).